The following is an entry in ClinVar:

NM_000179.3(MSH6):c.1333A>G (p.Ser445Gly)

Gene: MSH6 (mutS homolog 6; plus strand). Cytogenetic location: 2p16.3.
Variant type: single nucleotide variant.
Coding change: c.1333A>G on transcript NM_000179.3 (MANE Select); coding-DNA position 1333, A replaced by G.
Protein change: p.Ser445Gly; replaces serine 445 with glycine.
Molecular consequence: missense variant.
Genome position (GRCh38, 1-based): chr2:47,799,316, A>G. VCF-style: chr2-47799316-A-G. GRCh37 (hg19) VCF-style: chr2-48026455-A-G.
Other names: c.943A>G, p.Ser315Gly (NM_001281492.2); c.427A>G, p.Ser143Gly (NM_001281493.2, NM_001281494.2); short protein forms S143G, S315G, S445G.
Identifiers: ClinVar variation 1171180 (VCV001171180.2), dbSNP rs2104336982, ClinGen allele CA346744542.

ClinVar aggregate classification (germline): Uncertain significance (1 of 4 stars; one submission).

Conditions:
Hereditary cancer-predisposing syndrome. Also called: Tumor predisposition; Hereditary neoplastic syndrome; Hereditary Cancer Syndrome; Neoplastic Syndromes, Hereditary. Identifiers: Orphanet 140162, MedGen C0027672, MeSH D009386, MONDO:0015356.

Allele frequency attached by ClinVar (database versions not stated): gnomAD exomes below 0.00001.
gnomAD v4.1: 2 of 1,613,952 alleles (0.00012%); highest among the groups gnomAD compares: Non-Finnish European, 0.00017%; no homozygotes.

Submission:

Color Diagnostics, LLC DBA Color Health
Classification: Uncertain significance for Hereditary cancer-predisposing syndrome. Last evaluated: 2020-11-16. Review status: criteria provided, single submitter. Criteria: ACMG Guidelines, 2015. Collection method: clinical testing. Allele origin: germline.
Comment: This missense variant replaces serine with glycine at codon 445 of the MSH6 protein. Computational prediction suggests that this variant may not impact protein structure and function (internally defined REVEL score threshold <= 0.5, PMID: 27666373). To our knowledge, functional studies have not been reported for this variant. This variant has not been reported in individuals affected with hereditary cancer in the literature. This variant has not been identified in the general population by the Genome Aggregation Database (gnomAD). The available evidence is insufficient to determine the role of this variant in disease conclusively. Therefore, this variant is classified as a Variant of Uncertain Significance.